The following is an entry in ClinVar:

ClinVar aggregate classification (germline): Likely benign. Review status: criteria provided, multiple submitters, no conflicts (2 of 4 stars). 2 submissions from 2 submitters: Likely benign (2). Last evaluated 2025-11-23.

Conditions:
Progressive myoclonic epilepsy. Also called: Myoclonic Epilepsies, Progressive; Familial progressive myoclonic epilepsy; Myoclonus epilepsy; Progressive myoclonus epilepsy. Identifiers: Orphanet 308, Orphanet 98261, MedGen C0751778, MONDO:0020074.

Allele frequency attached by ClinVar (database versions not stated): gnomAD exomes 0.00002 and 0.00003; ExAC 0.00003; TOPMed 0.00004; gnomAD 0.00002.
gnomAD v4.1: 15 of 1,613,600 alleles (0.00093%); highest among the groups gnomAD compares: Admixed American, 0.02%; no homozygotes.

Submissions (2):

Labcorp Genetics (formerly Invitae), Labcorp
Classification: Likely benign for Progressive myoclonic epilepsy. Last evaluated: 2025-11-23. Review status: criteria provided, single submitter. Criteria: Invitae Variant Classification Sherloc (09022015). Collection method: clinical testing. Allele origin: germline.

GeneDx
Classification: Likely benign. Last evaluated: 2018-05-14. Review status: criteria provided, single submitter. Criteria: GeneDx Variant Classification (06012015). Collection method: clinical testing. Allele origin: germline. Affected: yes.
Comment: This variant is considered likely benign or benign based on one or more of the following criteria: it is a conservative change, it occurs at a poorly conserved position in the protein, it is predicted to be benign by multiple in silico algorithms, and/or has population frequency not consistent with disease.

NM_005670.4(EPM2A):c.477-13A>G

Gene: EPM2A (EPM2A glucan phosphatase, laforin; minus strand). Cytogenetic location: 6q24.3.
Variant type: single nucleotide variant.
Coding change: c.477-13A>G on transcript NM_005670.4 (MANE Select); 13 bases into the intron before coding-DNA position 477, A replaced by G.
Molecular consequence: intron variant.
Genome position (GRCh38, 1-based): chr6:145,635,499, T>C on the plus strand (A>G on the coding strand, the complement: EPM2A is on the minus strand). VCF-style: chr6-145635499-T-C. GRCh37 (hg19) VCF-style: chr6-145956635-T-C.
Other names: c.63-13A>G (NM_001360064.2, NM_001368131.1, NM_001360071.2); c.477-7806A>G (NM_001360057.2); c.477-13A>G (NM_001018041.2, NM_001368130.1); c.15-13A>G (NM_001368129.2, NM_001368132.1).
Identifiers: ClinVar variation 668384 (VCV000668384.8), dbSNP rs778452911, ClinGen allele CA4035151.